The following is an entry in ClinVar:

NM_080680.3(COL11A2):c.847A>G (p.Met283Val)

Gene: COL11A2 (collagen type XI alpha 2 chain; minus strand). Cytogenetic location: 6p21.32.
Variant type: single nucleotide variant.
Coding change: c.847A>G on transcript NM_080680.3 (MANE Select); coding-DNA position 847, A replaced by G.
Protein change: p.Met283Val; replaces methionine 283 with valine.
Molecular consequence: missense variant. On other transcripts: intron variant (2).
Genome position (GRCh38, 1-based): chr6:33,185,730, T>C on the plus strand (A>G on the coding strand, the complement: COL11A2 is on the minus strand). VCF-style: chr6-33185730-T-C. GRCh37 (hg19) VCF-style: chr6-33153507-T-C.
Other names: c.798+897A>G (NM_080679.3); c.799-676A>G (NM_080681.3); short protein forms M283V.
Identifiers: ClinVar variation 2501547 (VCV002501547.3), dbSNP rs2535477293, ClinGen allele CA363609603.

ClinVar aggregate classification (germline): Uncertain significance. Review status: criteria provided, multiple submitters, no conflicts (2 of 4 stars). 2 submissions from 2 submitters: Uncertain significance (2). Last evaluated 2025-08-11.

Submissions (2):

Labcorp Genetics (formerly Invitae), Labcorp
Classification: Uncertain significance. Last evaluated: 2025-08-11. Review status: criteria provided, single submitter. Criteria: Invitae Variant Classification Sherloc (09022015). Collection method: clinical testing. Allele origin: germline.
Comment: This sequence change replaces methionine, which is neutral and non-polar, with valine, which is neutral and non-polar, at codon 283 of the COL11A2 protein (p.Met283Val). This variant is not present in population databases (gnomAD no frequency). This variant has not been reported in the literature in individuals affected with COL11A2-related conditions. ClinVar contains an entry for this variant (Variation ID: 2501547). Invitae Evidence Modeling of protein sequence and biophysical properties (such as structural, functional, and spatial information, amino acid conservation, physicochemical variation, residue mobility, and thermodynamic stability) indicates that this missense variant is not expected to disrupt COL11A2 protein function with a negative predictive value of 95%. In summary, the available evidence is currently insufficient to determine the role of this variant in disease. Therefore, it has been classified as a Variant of Uncertain Significance.

GeneDx
Classification: Uncertain significance. Last evaluated: 2024-02-28. Review status: criteria provided, single submitter. Criteria: GeneDx Variant Classification Process June 2021. Collection method: clinical testing. Allele origin: germline. Affected: yes.
Comment: Not observed at significant frequency in large population cohorts (gnomAD); In silico analysis supports that this missense variant does not alter protein structure/function; Has not been previously published as pathogenic or benign to our knowledge